The following is an entry in ClinVar:

ClinVar aggregate classification (germline): Uncertain significance (1 of 4 stars; one submission).

Conditions:
Perlman syndrome (PRLMNS). Identifiers: Orphanet 2849, MedGen C0796113, MONDO:0009965, OMIM 267000.

Submission:

Labcorp Genetics (formerly Invitae), Labcorp
Classification: Uncertain significance for Perlman syndrome. Last evaluated: 2021-04-23. Review status: criteria provided, single submitter. Criteria: Invitae Variant Classification Sherloc (09022015). Collection method: clinical testing. Allele origin: germline.
Comment: In summary, the available evidence is currently insufficient to determine the role of this variant in disease. Therefore, it has been classified as a Variant of Uncertain Significance. Algorithms developed to predict the effect of missense changes on protein structure and function are either unavailable or do not agree on the potential impact of this missense change (SIFT: "Tolerated"; PolyPhen-2: "Probably Damaging"; Align-GVGD: "Class C0"). This variant has not been reported in the literature in individuals with DIS3L2-related conditions. This variant is not present in population databases (ExAC no frequency). This sequence change replaces proline with leucine at codon 442 of the DIS3L2 protein (p.Pro442Leu). The proline residue is moderately conserved and there is a moderate physicochemical difference between proline and leucine.

NM_152383.5(DIS3L2):c.1325C>T (p.Pro442Leu)

Gene: DIS3L2 (DIS3 like 3'-5' exoribonuclease 2; plus strand). Cytogenetic location: 2q37.1.
Variant type: single nucleotide variant.
Coding change: c.1325C>T on transcript NM_152383.5 (MANE Select); coding-DNA position 1325, C replaced by T.
Protein change: p.Pro442Leu; replaces proline 442 with leucine.
Molecular consequence: missense variant. On other transcripts: non-coding transcript variant (2).
Genome position (GRCh38, 1-based): chr2:232,249,246, C>T. VCF-style: chr2-232249246-C-T. GRCh37 (hg19) VCF-style: chr2-233113956-C-T.
Other names: c.1325C>T, p.Pro442Leu (NM_001257281.2); short protein forms P442L.
Identifiers: ClinVar variation 1362275 (VCV001362275.8), dbSNP rs2106264757, ClinGen allele CA351155369.